The following is an entry in ClinVar:

NM_001378778.1(MPDZ):c.5823A>G (p.Glu1941=)

Gene: MPDZ (multiple PDZ domain crumbs cell polarity complex component; minus strand). Cytogenetic location: 9p23.
Variant type: single nucleotide variant.
Coding change: c.5823A>G on transcript NM_001378778.1 (MANE Select); coding-DNA position 5823, A replaced by G.
Protein change: p.Glu1941=; no amino-acid change (glutamic acid 1941 retained).
Molecular consequence: synonymous variant.
Genome position (GRCh38, 1-based): chr9:13,110,642, T>C on the plus strand (A>G on the coding strand, the complement: MPDZ is on the minus strand). VCF-style: chr9-13110642-T-C. GRCh37 (hg19) VCF-style: chr9-13110641-T-C.
Other names: c.5724A>G, p.Glu1908= (NM_001261406.2, NM_001375416.1, NM_001375417.1 and 1 more transcripts); c.5637A>G, p.Glu1879= (NM_001261407.2, NM_001375419.1); c.5823A>G, p.Glu1941= (NM_001330637.2); c.5922A>G, p.Glu1974= (NM_001375413.1); c.5613A>G, p.Glu1871= (NM_001375420.1, NM_001375421.1, NM_001375422.1 and 2 more transcripts); c.5526A>G, p.Glu1842= (NM_001375425.1, NM_001375426.1); c.5415A>G, p.Glu1805= (NM_001375427.1); c.5736A>G, p.Glu1912= (NM_003829.5).
Identifiers: ClinVar variation 2659070 (VCV002659070.24), dbSNP rs1211838644, ClinGen allele CA463863160.

ClinVar aggregate classification (germline): Uncertain significance (1 of 4 stars; one submission).

Allele frequency attached by ClinVar (database versions not stated): gnomAD exomes below 0.00001; TOPMed below 0.00001.
gnomAD v4.1: 2 of 1,613,020 alleles (0.00012%); highest among the groups gnomAD compares: Non-Finnish European, 0.00017%; no homozygotes.

Submission:

CeGaT Center for Human Genetics Tuebingen
Classification: Uncertain significance. Last evaluated: 2023-09-01. Review status: criteria provided, single submitter. Criteria: CeGaT Center For Human Genetics Tuebingen Variant Classification Criteria Version 2. Collection method: clinical testing. Allele origin: germline. Affected: yes. Observed: 1 variant allele.
Comment: MPDZ: PM2, BP4